The following is an entry in ClinVar:

ClinVar aggregate classification (germline): Uncertain significance. Review status: criteria provided, multiple submitters, no conflicts (2 of 4 stars). 2 submissions from 2 submitters: Uncertain significance (2). Last evaluated 2025-03-12.

Conditions:
Cardiovascular phenotype. Identifiers: MedGen CN230736.
Arrhythmogenic cardiomyopathy with wooly hair and keratoderma. Also called: Dilated cardiomyopathy with woolly hair and keratoderma; Arrhythmogenic cardiomyopathy with woolly hair and keratoderma; Carvajal syndrome; PALMOPLANTAR KERATODERMA WITH LEFT VENTRICULAR CARDIOMYOPATHY AND WOOLLY HAIR. Identifiers: Orphanet 65282, MedGen C1854063, MONDO:0011581, OMIM 605676.
Arrhythmogenic right ventricular dysplasia 8 (ARVD8). Also called: ARRHYTHMOGENIC RIGHT VENTRICULAR DYSPLASIA, FAMILIAL, 8; ARRHYTHMOGENIC RIGHT VENTRICULAR CARDIOMYOPATHY 8; Arrhythmogenic Right Ventricular Dysplasia/Cardiomyopathy 8. Identifiers: MedGen C1843896, MONDO:0011831, OMIM 607450.

gnomAD v4.1: 3 of 1,614,084 alleles (0.00019%); highest among the groups gnomAD compares: African/African-American, 0.0027%; no homozygotes.

Submissions (2):

Labcorp Genetics (formerly Invitae), Labcorp
Classification: Uncertain significance for Arrhythmogenic cardiomyopathy with wooly hair and keratoderma; Arrhythmogenic right ventricular dysplasia 8. Last evaluated: 2025-03-12. Review status: criteria provided, single submitter. Criteria: Invitae Variant Classification Sherloc (09022015). Collection method: clinical testing. Allele origin: germline.
Comment: This sequence change replaces serine, which is neutral and polar, with cysteine, which is neutral and slightly polar, at codon 1708 of the DSP protein (p.Ser1708Cys). This variant is not present in population databases (gnomAD no frequency). This variant has not been reported in the literature in individuals affected with DSP-related conditions. ClinVar contains an entry for this variant (Variation ID: 578928). An algorithm developed to predict the effect of missense changes on protein structure and function outputs the following: PolyPhen-2: "Benign". The cysteine amino acid residue is found in multiple mammalian species, which suggests that this missense change does not adversely affect protein function. In summary, the available evidence is currently insufficient to determine the role of this variant in disease. Therefore, it has been classified as a Variant of Uncertain Significance.

Ambry Genetics
Classification: Uncertain significance for Cardiovascular phenotype. Last evaluated: 2023-06-28. Review status: criteria provided, single submitter. Criteria: Ambry Variant Classification Scheme 2023. Collection method: clinical testing. Allele origin: germline.
Comment: The p.S1708C variant (also known as c.5123C>G), located in coding exon 23 of the DSP gene, results from a C to G substitution at nucleotide position 5123. The serine at codon 1708 is replaced by cysteine, an amino acid with dissimilar properties. This amino acid position is conserved. In addition, this alteration is predicted to be tolerated by in silico analysis. Since supporting evidence is limited at this time, the clinical significance of this alteration remains unclear.

NM_004415.4(DSP):c.5123C>G (p.Ser1708Cys)

Gene: DSP (desmoplakin; plus strand). Cytogenetic location: 6p24.3.
Variant type: single nucleotide variant.
Coding change: c.5123C>G on transcript NM_004415.4 (MANE Select); coding-DNA position 5123, C replaced by G.
Protein change: p.Ser1708Cys; replaces serine 1708 with cysteine.
Molecular consequence: missense variant. On other transcripts: intron variant (2).
Genome position (GRCh38, 1-based): chr6:7,581,313, C>G. VCF-style: chr6-7581313-C-G. GRCh37 (hg19) VCF-style: chr6-7581546-C-G.
Other names: c.5123C>G (LRG_423t1); c.4050+1073C>G (NM_001319034.2); c.3583-1329C>G (NM_001008844.3); short protein forms S1708C.
Identifiers: ClinVar variation 578928 (VCV000578928.13), dbSNP rs372452104, ClinGen allele CA043939.
Genomic context (GRCh38, chr6:7,581,313, plus strand): 5'-CGATAGAAGATAAAAGCAGAAGCTTAAATGAAAGCAAAATAGAAATTGAGAGGCTGCAGT[C>G]TCTCACAGAGAACCTGACCAAGGAGCACTTGATGTTAGAAGAAGAACTGCGGAACCTGAG-3'
Protein context (NP_004406.2, residues 1698-1718): ESKIEIERLQ[Ser1708Cys]LTENLTKEHL